The following is an entry in ClinVar:

NM_001130438.3(SPTAN1):c.1210C>T (p.Gln404Ter)

Gene: SPTAN1 (spectrin alpha, non-erythrocytic 1; plus strand). Cytogenetic location: 9q34.11.
Variant type: single nucleotide variant.
Coding change: c.1210C>T on transcript NM_001130438.3 (MANE Select); coding-DNA position 1210, C replaced by T.
Protein change: p.Gln404Ter; replaces glutamine 404 with a stop codon.
Molecular consequence: nonsense.
Genome position (GRCh38, 1-based): chr9:128,578,234, C>T. VCF-style: chr9-128578234-C-T. GRCh37 (hg19) VCF-style: chr9-131340513-C-T.
Other names: c.1210C>T, p.Gln404Ter (NM_001195532.2, NM_001363759.2, NM_001363765.2 and 5 more transcripts); c.1246C>T, p.Gln416Ter (NM_001375312.2, NM_001375318.1); short protein forms Q404*, Q416*.
Identifiers: ClinVar variation 1676440 (VCV001676440.3), dbSNP rs2131030804, ClinGen allele CA375052057.

ClinVar aggregate classification (germline): Likely pathogenic (1 of 4 stars; one submission).

Conditions:
Developmental and epileptic encephalopathy, 5 (DEE5). Identifiers: Orphanet 3451, MedGen C3150731, MONDO:0013277, OMIM 613477.

Submission:

Greenwood Genetic Center Diagnostic Laboratories, Greenwood Genetic Center
Classification: Likely pathogenic for Developmental and epileptic encephalopathy, 5. Last evaluated: 2022-02-11. Review status: criteria provided, single submitter. Criteria: ACMG Guidelines, 2015. Collection method: clinical testing. Allele origin: germline. Affected: yes.
Comment: PVS1, PM2